The following is an entry in ClinVar:

NM_003630.3(PEX3):c.420T>A (p.Ile140=)

Gene: PEX3 (peroxisomal biogenesis factor 3; plus strand). Cytogenetic location: 6q24.2.
Variant type: single nucleotide variant.
Coding change: c.420T>A on transcript NM_003630.3 (MANE Select); coding-DNA position 420, T replaced by A.
Protein change: p.Ile140=; no amino-acid change (isoleucine 140 retained).
Molecular consequence: synonymous variant.
Genome position (GRCh38, 1-based): chr6:143,471,049, T>A. VCF-style: chr6-143471049-T-A. GRCh37 (hg19) VCF-style: chr6-143792186-T-A.
Identifiers: ClinVar variation 4983267 (VCV004983267.1).
Genomic context (GRCh38, chr6:143,471,049, plus strand): 5'-CAGTACCTGTATGCTGGTTGTTCTTTTGCGGGTCCAGTTAAACATAATTGGTGGATATAT[T>A]TACCTGGATAATGCAGCAGTTGGCAAAAATGGCACTGTAAGTTTAATAGACTTAAATAGA-3'
Protein context (NP_003621.1, residues 130-150): RVQLNIIGGY[Ile140=]YLDNAAVGKN

ClinVar aggregate classification (germline): Likely benign (1 of 4 stars; one submission).

Conditions:
PEX3-related disorder. Also called: PEX3-related condition.

gnomAD v4.1: 34 of 1,613,354 alleles (0.0021%); highest among the groups gnomAD compares: Non-Finnish European, 0.0029%; no homozygotes.

Submission:

PreventionGenetics, part of Exact Sciences
Classification: Likely benign for PEX3-related condition. Last evaluated: 2026-05-08. Review status: criteria provided, single submitter. Criteria: ACMG Guidelines, 2015. Collection method: clinical testing. Allele origin: germline.
Comment: This variant is classified as likely benign based on ACMG/AMP sequence variant interpretation guidelines (Richards et al. 2015 PMID: 25741868, with internal and published modifications).